The following is an entry in ClinVar:

ClinVar aggregate classification (germline): Pathogenic (1 of 4 stars; one submission).

Conditions:
Dyskeratosis congenita, autosomal recessive 5 (DKCB5). Identifiers: MedGen C3554656, MONDO:0014076, OMIM 615190.
Pulmonary fibrosis and/or bone marrow failure, Telomere-related, 3. Also called: PULMONARY FIBROSIS AND/OR BONE MARROW FAILURE SYNDROME, TELOMERE-RELATED, 3. Identifiers: Orphanet 2032, MedGen C4225346, MONDO:0014613, OMIM 616373.

Submission:

Labcorp Genetics (formerly Invitae), Labcorp
Classification: Pathogenic for Dyskeratosis congenita, autosomal recessive 5; Pulmonary fibrosis and/or bone marrow failure, Telomere-related, 3. Last evaluated: 2022-04-01. Review status: criteria provided, single submitter. Criteria: Invitae Variant Classification Sherloc (09022015). Collection method: clinical testing. Allele origin: germline.
Comment: For these reasons, this variant has been classified as Pathogenic. This variant disrupts a region of the RTEL1 protein in which other variant(s) (p.Met492Ile) have been determined to be pathogenic (PMID: 19461895, 23453664, 23959892, 27418648). This suggests that this is a clinically significant region of the protein, and that variants that disrupt it are likely to be disease-causing. This variant has not been reported in the literature in individuals affected with RTEL1-related conditions. This variant is a gross deletion of the genomic region encompassing exon(s) 15-35 of the RTEL1 gene, which includes the termination codon. This deletion extends beyond the assayed region for this gene and therefore may encompass additional genes. While this deletion is not anticipated to lead to nonsense mediated decay, it is expected to alter mRNA translation or result in a truncated protein product.

Literature cited by the submitters: PubMed 19461895; PubMed 23453664; PubMed 23959892; PubMed 27418648.

NC_000020.10:g.(?_62316856)_(62327211_?)del

Gene: RTEL1 (regulator of telomere elongation helicase 1; plus strand). Cytogenetic location: 20q13.33.
Variant type: Deletion.
Identifiers: ClinVar variation 2424105 (VCV002424105.8).